The following is an entry in ClinVar:

NM_006662.3(SRCAP):c.5591C>T (p.Ala1864Val)

Gene: SRCAP (Snf2 related CREBBP activator protein; plus strand). Cytogenetic location: 16p11.2.
Variant type: single nucleotide variant.
Coding change: c.5591C>T on transcript NM_006662.3 (MANE Select); coding-DNA position 5591, C replaced by T.
Protein change: p.Ala1864Val; replaces alanine 1864 with valine.
Molecular consequence: missense variant.
Genome position (GRCh38, 1-based): chr16:30,725,015, C>T. VCF-style: chr16-30725015-C-T. GRCh37 (hg19) VCF-style: chr16-30736336-C-T.
Other names: short protein forms A1864V.
Identifiers: ClinVar variation 3375219 (VCV003375219.1).

ClinVar aggregate classification (germline): Uncertain significance (1 of 4 stars; one submission).

gnomAD v4.1: 1 of 1,614,154 alleles (0.000062%); highest among the groups gnomAD compares: Non-Finnish European, 0.000085%; no homozygotes.

Submission:

Women's Health and Genetics/Laboratory Corporation of America, LabCorp
Classification: Uncertain significance. Last evaluated: 2024-09-25. Review status: criteria provided, single submitter. Criteria: LabCorp Variant Classification Summary - May 2015. Collection method: clinical testing. Allele origin: germline.
Comment: Variant summary: SRCAP c.5591C>T (p.Ala1864Val) results in a non-conservative amino acid change in the encoded protein sequence. Four of five in-silico tools predict a benign effect of the variant on protein function. The variant was absent in 250628 control chromosomes. The available data on variant occurrences in the general population are insufficient to allow any conclusion about variant significance. To our knowledge, no occurrence of c.5591C>T in individuals affected with Floating-Harbor Syndrome and no experimental evidence demonstrating its impact on protein function have been reported. No submitters have cited clinical-significance assessments for this variant to ClinVar. Based on the evidence outlined above, the variant was classified as uncertain significance.